The following is an entry in ClinVar:

NM_000053.4(ATP7B):c.3749C>G (p.Ala1250Gly)

Gene: ATP7B (ATPase copper transporting beta; minus strand). Cytogenetic location: 13q14.3.
Variant type: single nucleotide variant.
Coding change: c.3749C>G on transcript NM_000053.4 (MANE Select); coding-DNA position 3749, C replaced by G.
Protein change: p.Ala1250Gly; replaces alanine 1250 with glycine.
Molecular consequence: missense variant.
Genome position (GRCh38, 1-based): chr13:51,937,630, G>C on the plus strand (C>G on the coding strand, the complement: ATP7B is on the minus strand). VCF-style: chr13-51937630-G-C. GRCh37 (hg19) VCF-style: chr13-52511766-G-C.
Other names: c.3128C>G, p.Ala1043Gly (NM_001005918.3); c.3416C>G, p.Ala1139Gly (NM_001243182.2); c.3515C>G, p.Ala1172Gly (NM_001330578.2); c.3497C>G, p.Ala1166Gly (NM_001330579.2); short protein forms A1250G, A1043G, A1139G, A1166G, A1172G.
Identifiers: ClinVar variation 633067 (VCV000633067.7), dbSNP rs372042739, ClinGen allele CA6988573.
Genomic context (GRCh38, chr13:51,937,630, plus strand): 5'-TTGACCCCATCCCCCACCATGGCGACTTTCTTCCCTTTATTCTGGAGCTCCTGGACCTTG[G>C]CCACCTTGTGCGAAGGCAGCACCTCTGCAAAGACTTTGTTGATGCCAACCTAAGACAAAA-3'
Protein context (NP_000044.2, residues 1240-1260): FAEVLPSHKV[Ala1250Gly]KVQELQNKGK

ClinVar aggregate classification (germline): Uncertain significance. Review status: criteria provided, multiple submitters, no conflicts (2 of 4 stars). 6 submissions from 6 submitters: Uncertain significance (5). 1 of the submissions does not count toward it. Last evaluated 2025-07-03.

Conditions:
Wilson disease (WND). Also called: Wilson's disease. Identifiers: Orphanet 905, MedGen C0019202, MONDO:0010200, OMIM 277900. Disease mechanism: loss of function.

Allele frequency attached by ClinVar (database versions not stated): ExAC 0.00002; gnomAD 0.00002; gnomAD exomes 0.00003 and 0.00005; TOPMed 0.00003; ESP Exome Variant Server 0.00008.
gnomAD v4.1: 83 of 1,614,130 alleles (0.0051%); highest among the groups gnomAD compares: Non-Finnish European, 0.0063%; no homozygotes.

Submissions (6):

Color Diagnostics, LLC DBA Color Health
Classification: Uncertain significance for Wilson disease. Last evaluated: 2025-07-03. Review status: criteria provided, single submitter. Criteria: ACMG Guidelines, 2015. Collection method: clinical testing. Allele origin: germline.
Comment: This missense variant replaces alanine with glycine at codon 1250 of the ATP7B protein. Computational prediction suggests that this variant may have deleterious impact on protein structure and function. To our knowledge, functional studies have not been reported for this variant. This variant has been reported in an individual affected with Wilson Disease (PMID: 23518715). This variant has been identified in 10/280964 chromosomes in the general population by the Genome Aggregation Database (gnomAD). The available evidence is insufficient to determine the role of this variant in disease conclusively. Therefore, this variant is classified as a Variant of Uncertain Significance.

All of Us Research Program, National Institutes of Health
Classification: Uncertain significance for Wilson disease. Last evaluated: 2024-08-30. Review status: criteria provided, single submitter. Criteria: ACMG Guidelines, 2015. Collection method: clinical testing. Allele origin: germline. Inheritance: Autosomal recessive inheritance. Observed: 15 variant alleles, 15 heterozygotes.
Comment: This missense variant replaces alanine with glycine at codon 1250 of the ATP7B protein. Computational prediction suggests that this variant may have deleterious impact on protein structure and function (internally defined REVEL score threshold >= 0.7, PMID: 27666373). To our knowledge, functional studies have not been reported for this variant. This variant has been reported in an individual affected with Wilson Disease (PMID: 23518715). This variant has been identified in 10/280964 chromosomes in the general population by the Genome Aggregation Database (gnomAD). The available evidence is insufficient to determine the role of this variant in disease conclusively. Therefore, this variant is classified as a Variant of Uncertain Significance.

This study involves interpretation of variants in research participants for the purpose of population health screening. Participant phenotype was not available at the time of variant classification. Additional details can be found in publication PMID: 35346344, PMCID: PMC8962531

Labcorp Genetics (formerly Invitae), Labcorp
Classification: Uncertain significance for Wilson disease. Last evaluated: 2022-09-26. Review status: criteria provided, single submitter. Criteria: Invitae Variant Classification Sherloc (09022015). Collection method: clinical testing. Allele origin: germline.
Comment: This sequence change replaces alanine, which is neutral and non-polar, with glycine, which is neutral and non-polar, at codon 1250 of the ATP7B protein (p.Ala1250Gly). This variant is present in population databases (rs372042739, gnomAD 0.007%). This variant has not been reported in the literature in individuals affected with ATP7B-related conditions. ClinVar contains an entry for this variant (Variation ID: 633067). Advanced modeling of protein sequence and biophysical properties (such as structural, functional, and spatial information, amino acid conservation, physicochemical variation, residue mobility, and thermodynamic stability) performed at Invitae indicates that this missense variant is not expected to disrupt ATP7B protein function. Algorithms developed to predict the effect of sequence changes on RNA splicing suggest that this variant may create or strengthen a splice site. In summary, the available evidence is currently insufficient to determine the role of this variant in disease. Therefore, it has been classified as a Variant of Uncertain Significance.

Fulgent Genetics
Classification: Uncertain significance for Wilson disease. Last evaluated: 2022-01-09. Review status: criteria provided, single submitter. Criteria: ACMG Guidelines, 2015. Collection method: clinical testing. Allele origin: unknown.

Women's Health and Genetics/Laboratory Corporation of America, LabCorp
Classification: Uncertain significance. Last evaluated: 2017-10-04. Review status: criteria provided, single submitter. Criteria: LabCorp Variant Classification Summary - May 2015. Collection method: clinical testing. Allele origin: germline.
Comment: Variant summary: The ATP7B c.3749C>G (p.Ala1250Gly) variant causes a missense change involving the alteration of a conserved nucleotide. 4/4 in silico tools predict a damaging outcome for this variant (SNPsandGO not captured due to low reliability index). This variant was found in 11/278196 control chromosomes (gnomAD and Coffey_2013) at a frequency of 0.0000395, which does not exceed the estimated maximal expected allele frequency of a pathogenic ATP7B variant (0.0054006). Because of the absence of clinical information and the lack of functional studies, the variant is classified as a variant of uncertain significance (VUS) until additional information becomes available.

Natera, Inc.
Classification: Uncertain significance for Wilson disease. Last evaluated: 2020-02-25. Review status: no assertion criteria provided. Collection method: clinical testing. Allele origin: germline. Not counted in ClinVar's aggregate classification.

Literature cited by the submitters: PubMed 23518715 (cited by 3 submitters).